The following is an entry in ClinVar:

ClinVar aggregate classification (germline): Uncertain significance (1 of 4 stars; one submission).

Allele frequency attached by ClinVar (database versions not stated): TOPMed 0.00002; gnomAD exomes 0.00003; gnomAD 0.00001; ExAC 0.00002.

Submission:

Labcorp Genetics (formerly Invitae), Labcorp
Classification: Uncertain significance. Last evaluated: 2025-07-29. Review status: criteria provided, single submitter. Criteria: Invitae Variant Classification Sherloc (09022015). Collection method: clinical testing. Allele origin: germline.
Comment: This sequence change replaces arginine, which is basic and polar, with glutamine, which is neutral and polar, at codon 61 of the TNFAIP3 protein (p.Arg61Gln). This variant is present in population databases (rs775364265, gnomAD 0.006%). This variant has not been reported in the literature in individuals affected with TNFAIP3-related conditions. ClinVar contains an entry for this variant (Variation ID: 2972610). Invitae Evidence Modeling of protein sequence and biophysical properties (such as structural, functional, and spatial information, amino acid conservation, physicochemical variation, residue mobility, and thermodynamic stability) indicates that this missense variant is not expected to disrupt TNFAIP3 protein function with a negative predictive value of 80%. In summary, the available evidence is currently insufficient to determine the role of this variant in disease. Therefore, it has been classified as a Variant of Uncertain Significance.

NM_001270508.2(TNFAIP3):c.182G>A (p.Arg61Gln)

Gene: TNFAIP3 (TNF alpha induced protein 3; plus strand). Cytogenetic location: 6q23.3.
Variant type: single nucleotide variant.
Coding change: c.182G>A on transcript NM_001270508.2 (MANE Select); coding-DNA position 182, G replaced by A.
Protein change: p.Arg61Gln; replaces arginine 61 with glutamine.
Molecular consequence: missense variant.
Genome position (GRCh38, 1-based): chr6:137,871,409, G>A. VCF-style: chr6-137871409-G-A. GRCh37 (hg19) VCF-style: chr6-138192546-G-A.
Other names: c.182G>A, p.Arg61Gln (NM_001270507.2, NM_006290.4); short protein forms R61Q.
Identifiers: ClinVar variation 2972610 (VCV002972610.3), dbSNP rs775364265, ClinGen allele CA4019354.